The following is an entry in ClinVar:

NM_000138.5(FBN1):c.5714G>C (p.Cys1905Ser)

Gene: FBN1 (fibrillin 1; minus strand). Cytogenetic location: 15q21.1.
Variant type: single nucleotide variant.
Coding change: c.5714G>C on transcript NM_000138.5 (MANE Select); coding-DNA position 5714, G replaced by C.
Protein change: p.Cys1905Ser; replaces cysteine 1905 with serine.
Molecular consequence: missense variant.
Genome position (GRCh38, 1-based): chr15:48,446,780, C>G on the plus strand (G>C on the coding strand, the complement: FBN1 is on the minus strand). VCF-style: chr15-48446780-C-G. GRCh37 (hg19) VCF-style: chr15-48738977-C-G.
Other names: c.5714G>C, p.Cys1905Ser (NM_001406716.1); short protein forms C1905S.
Identifiers: ClinVar variation 1325427 (VCV001325427.3), dbSNP rs112655848, ClinGen allele CA269533790.

ClinVar aggregate classification (germline): Pathogenic/Likely pathogenic. Review status: criteria provided, multiple submitters, no conflicts (2 of 4 stars). 2 submissions from 2 submitters: Pathogenic (1); Likely pathogenic (1). Last evaluated 2026-04-14.

Conditions:
Marfan Syndrome/Loeys-Dietz Syndrome/Familial Thoracic Aortic Aneurysms and Dissections. Identifiers: MedGen CN229799.
Marfan syndrome (MFS). Also called: Marfan syndrome type 1; Marfan's syndrome; FBN1-Related Marfan Syndrome; MARFAN SYNDROME, TYPE I; Marfan syndrome, classic. Identifiers: Orphanet 284963, Orphanet 558, MedGen C0024796, MONDO:0007947, OMIM 154700.

Submissions (2):

Women's Health and Genetics/Laboratory Corporation of America, LabCorp
Classification: Likely pathogenic for Marfan Syndrome/Loeys-Dietz Syndrome/Familial Thoracic Aortic Aneurysms and Dissections. Last evaluated: 2026-04-14. Review status: criteria provided, single submitter. Criteria: LabCorp Variant Classification Summary - May 2015. Collection method: clinical testing. Allele origin: germline.
Comment: Variant summary: FBN1 c.5714G>C (p.Cys1905Ser) results in a non-conservative amino acid change in the encoded protein sequence. Algorithms developed to predict the effect of missense changes on protein structure and function all suggest that this variant is likely to be disruptive. The variant was absent in 250984 control chromosomes. c.5714G>C has been observed in an individual affected with Marfan Syndrome (Meester_2022). To our knowledge, no experimental evidence demonstrating an impact on protein function has been reported. The following publication have been ascertained in the context of this evaluation (PMID: 35058154). ClinVar contains an entry for this variant (Variation ID: 1325427). Missense mutations affecting cysteine residues are listed among the criteria for a causal FBN1 mutation when identified as de novo (with proven paternity) in the revised Ghent criteria for the diagnosis of Marfan and related conditions (Loeys 2010). The following publication has been ascertained in the context of this evaluation (PMID: 35058154). Based on the evidence outlined above, the variant was classified as likely pathogenic until the de novo origin of this variant is unequivocally confirmed.

Centre of Medical Genetics, University of Antwerp
Classification: Pathogenic for Marfan syndrome. Last evaluated: 2021-03-01. Review status: criteria provided, single submitter. Criteria: Submitter's publication. Collection method: research. Allele origin: unknown. Affected: yes.
Comment: PM2, PVS2, PP4

Literature cited by the submitters: PubMed 35058154 (cited by Women's Health and Genetics/Laboratory Corporation of America, LabCorp).